The following is an entry in ClinVar:

NM_001267550.2(TTN):c.63675del (p.Asp21226fs)

Genes: TTN-AS1 (TTN antisense RNA 1; plus strand), TTN (titin; minus strand). Cytogenetic location: 2q31.2.
Variant type: Deletion.
Coding change: c.63675del on transcript NM_001267550.2 (MANE Select); coding-DNA position 63675, one base deleted (T; older notation c.63675delT).
Protein change: p.Asp21226fs; shifts the reading frame from aspartic acid 21226.
Molecular consequence: frameshift variant.
Genome position (GRCh38, 1-based): chr2:178,587,634, A deleted on the plus strand (T on the coding strand, the reverse complement: TTN is on the minus strand); the first of 2 consecutive A bases (chr2:178,587,634-178,587,635); deleting either gives the same sequence. VCF-style (leftmost placement, unchanged base first): chr2-178587633-CA-C. GRCh37 (hg19) VCF-style: chr2-179452360-CA-C.
Other names: c.55971del, p.Asp18658fs (NM_133378.4); c.36855del, p.Asp12286fs (NM_133432.3); c.37056del, p.Asp12353fs (NM_133437.4); c.58752del, p.Asp19585fs (NM_001256850.1); c.36480del, p.Asp12161fs (NM_003319.4); short protein forms D12161fs, D12286fs, D12353fs, D18658fs, D19585fs, D21226fs.
Identifiers: ClinVar variation 1066079 (VCV001066079.9), dbSNP rs2154182357, ClinGen allele CA2499215394.

ClinVar aggregate classification (germline): Likely pathogenic (1 of 4 stars; one submission).

Conditions:
Dilated cardiomyopathy 1G (CMD1G). Identifiers: Orphanet 154, MedGen C1858763, MONDO:0011400, OMIM 604145.
Autosomal recessive limb-girdle muscular dystrophy type 2J (LGMDR10). Also called: Limb-girdle muscular dystrophy, type 2J; MUSCULAR DYSTROPHY, LIMB-GIRDLE, AUTOSOMAL RECESSIVE 10. Identifiers: Orphanet 140922, MedGen C1837342, MONDO:0012127, OMIM 608807.

Submission:

Labcorp Genetics (formerly Invitae), Labcorp
Classification: Likely pathogenic for Dilated cardiomyopathy 1G; Autosomal recessive limb-girdle muscular dystrophy type 2J. Last evaluated: 2025-09-15. Review status: criteria provided, single submitter. Criteria: Invitae Variant Classification Sherloc (09022015). Collection method: clinical testing. Allele origin: germline.
Comment: This sequence change creates a premature translational stop signal (p.Asp21226Thrfs*21) in the TTN gene. While this is not anticipated to result in nonsense mediated decay, it is expected to create a truncated TTN protein. This variant is not present in population databases (gnomAD no frequency). This variant has not been reported in the literature in individuals affected with TTN-related conditions. ClinVar contains an entry for this variant (Variation ID: 1066079). This variant is located in the A band of TTN (PMID: 25589632). Truncating variants in this region are significantly overrepresented in patients affected with dilated cardiomyopathy (PMID: 25589632). Truncating variants in this region have also been reported in individuals affected with autosomal recessive centronuclear myopathy (PMID: 23975875). In summary, the currently available evidence indicates that the variant is pathogenic, but additional data are needed to prove that conclusively. Therefore, this variant has been classified as Likely Pathogenic.

Literature cited by the submitters: PubMed 25589632; PubMed 23975875.